The following is an entry in ClinVar:

ClinVar aggregate classification (germline): Likely pathogenic (1 of 4 stars; one submission).

Conditions:
Ehlers-Danlos syndrome, type 4 (EDSVASC). Also called: Ehlers-Danlos syndrome vascular type; Ehlers Danlos syndrome, ecchymotic type; Ehlers Danlos syndrome, arterial type; Ehlers Danlos syndrome, Sack-Barabas type; Ehlers-Danlos Syndrome Type IV. Identifiers: Orphanet 286, MedGen C0268338, MONDO:0017314, OMIM 130050.

gnomAD v4.1: 1 of 1,596,440 alleles (0.000063%); highest among the groups gnomAD compares: Non-Finnish European, 0.000085%; no homozygotes.

Submission:

Labcorp Genetics (formerly Invitae), Labcorp
Classification: Likely pathogenic for Ehlers-Danlos syndrome, type 4. Last evaluated: 2024-05-18. Review status: criteria provided, single submitter. Criteria: Invitae Variant Classification Sherloc (09022015). Collection method: clinical testing. Allele origin: germline.
Comment: This sequence change replaces glycine, which is neutral and non-polar, with valine, which is neutral and non-polar, at codon 747 of the COL3A1 protein (p.Gly747Val). This variant is not present in population databases (gnomAD no frequency). This variant has not been reported in the literature in individuals affected with COL3A1-related conditions. Advanced modeling of protein sequence and biophysical properties (such as structural, functional, and spatial information, amino acid conservation, physicochemical variation, residue mobility, and thermodynamic stability) performed at Invitae indicates that this missense variant is expected to disrupt COL3A1 protein function with a positive predictive value of 95%. This variant disrupts the triple helix domain of COL3A1. Glycine residues within the Gly-Xaa-Yaa repeats of the triple helix domain are required for the structure and stability of fibrillar collagens (PMID: 7695699, 8218237, 19344236). In COL3A1, variants that affect these glycine residues are significantly enriched in individuals with disease (PMID: 24922459, 25758994) compared to the general population (ExAC). In summary, the currently available evidence indicates that the variant is pathogenic, but additional data are needed to prove that conclusively. Therefore, this variant has been classified as Likely Pathogenic.

Literature cited by the submitters: PubMed 7695699; PubMed 8218237; PubMed 19344236; PubMed 24922459; PubMed 25758994.

NM_000090.4(COL3A1):c.2240G>T (p.Gly747Val)

Gene: COL3A1 (collagen type III alpha 1 chain; plus strand). Cytogenetic location: 2q32.2.
Variant type: single nucleotide variant.
Coding change: c.2240G>T on transcript NM_000090.4 (MANE Select); coding-DNA position 2240, G replaced by T.
Protein change: p.Gly747Val; replaces glycine 747 with valine.
Molecular consequence: missense variant.
Genome position (GRCh38, 1-based): chr2:188,999,852, G>T. VCF-style: chr2-188999852-G-T. GRCh37 (hg19) VCF-style: chr2-189864578-G-T.
Other names: short protein forms G747V.
Identifiers: ClinVar variation 3634097 (VCV003634097.2).